The following is an entry in ClinVar:

NM_002397.5(MEF2C):c.-143+17T>A

Gene: MEF2C (myocyte enhancer factor 2C; minus strand). Cytogenetic location: 5q14.3.
Variant type: single nucleotide variant.
Coding change: c.-143+17T>A on transcript NM_002397.5 (MANE Select); 17 bases into the intron after 143 bases upstream of the start codon, T replaced by A.
Molecular consequence: intron variant.
Genome position (GRCh38, 1-based): chr5:88,882,938, A>T on the plus strand (T>A on the coding strand, the complement: MEF2C is on the minus strand). VCF-style: chr5-88882938-A-T. GRCh37 (hg19) VCF-style: chr5-88178755-A-T.
Other names: c.-140+4564T>A (NM_001364329.2, NM_001364334.2); c.-143+4564T>A (NM_001364330.2, NM_001131005.2, NM_001193347.1); c.-140+17T>A (NM_001364333.2, NM_001193350.2, NM_001364354.2 and 8 more transcripts); c.-143+17T>A (NM_001364344.2, NM_001308002.3, NM_001364355.2 and 5 more transcripts); c.-239+17T>A (NM_001364331.2); c.-143+1551T>A (NM_001364345.2, NM_001364335.2).
Identifiers: ClinVar variation 514873 (VCV000514873.1), dbSNP rs1267825119, ClinGen allele CA561151458.

ClinVar aggregate classification (germline): Likely benign (1 of 4 stars; one submission).

Allele frequency attached by ClinVar (database versions not stated): TOPMed 0.00001.
gnomAD v4.1: 2 of 152,136 alleles (0.0013%); highest among the groups gnomAD compares: African/African-American, 0.0048%; no homozygotes.

Submission:

GeneDx
Classification: Likely benign. Last evaluated: 2018-01-29. Review status: criteria provided, single submitter. Criteria: GeneDx Variant Classification (06012015). Collection method: clinical testing. Allele origin: germline. Affected: yes.
Comment: This variant is considered likely benign or benign based on one or more of the following criteria: it is a conservative change, it occurs at a poorly conserved position in the protein, it is predicted to be benign by multiple in silico algorithms, and/or has population frequency not consistent with disease.